The following is an entry in ClinVar:

NM_000368.5(TSC1):c.1998-2A>T

Gene: TSC1 (TSC complex subunit 1; minus strand). Cytogenetic location: 9q34.13.
Variant type: single nucleotide variant.
Coding change: c.1998-2A>T on transcript NM_000368.5 (MANE Select); the canonical splice acceptor site of the intron before coding-DNA position 1998, A replaced by T.
Molecular consequence: splice acceptor variant.
Genome position (GRCh38, 1-based): chr9:132,904,456, T>A on the plus strand (A>T on the coding strand, the complement: TSC1 is on the minus strand). VCF-style: chr9-132904456-T-A. GRCh37 (hg19) VCF-style: chr9-135779843-T-A.
Other names: c.1632-2A>T (NM_001406620.1, NM_001406625.1, NM_001406621.1 and 2 more transcripts); c.1635-2A>T (NM_001406618.1, NM_001406617.1, NM_001406619.1 and 5 more transcripts); c.1842-2A>T (NM_001406613.1, NM_001406612.1, NM_001406611.1); c.1845-2A>T (NM_001406610.1, NM_001162427.2); c.1044-2A>T (NM_001406627.1, NM_001406628.1); c.945-2A>T (NM_001406629.1, NM_001406630.1); c.1995-2A>T (NM_001406603.1, NM_001406609.1, NM_001406597.1 and 6 more transcripts); c.1998-2A>T (NM_001406602.1, NM_001406606.1, NM_001406592.1 and 7 more transcripts); and 1 more.
Identifiers: ClinVar variation 3720916 (VCV003720916.2).

ClinVar aggregate classification (germline): Pathogenic (1 of 4 stars; one submission).

Conditions:
Tuberous sclerosis 1 (TSC1). Identifiers: Orphanet 805, MedGen C1854465, MONDO:0008612, OMIM 191100.

Submission:

Labcorp Genetics (formerly Invitae), Labcorp
Classification: Pathogenic for Tuberous sclerosis 1. Last evaluated: 2024-11-11. Review status: criteria provided, single submitter. Criteria: Invitae Variant Classification Sherloc (09022015). Collection method: clinical testing. Allele origin: germline.
Comment: This sequence change affects an acceptor splice site in intron 15 of the TSC1 gene. It is expected to disrupt RNA splicing. Variants that disrupt the donor or acceptor splice site typically lead to a loss of protein function (PMID: 16199547), and loss-of-function variants in TSC1 are known to be pathogenic (PMID: 10227394, 17304050). This variant is not present in population databases (gnomAD no frequency). Disruption of this splice site has been observed in individuals with clinical features of tuberous sclerosis complex (PMID: 29432982; internal data). Algorithms developed to predict the effect of sequence changes on RNA splicing suggest that this variant may disrupt the consensus splice site. For these reasons, this variant has been classified as Pathogenic.

Literature cited by the submitters: PubMed 16199547; PubMed 10227394; PubMed 17304050; PubMed 29432982.